The following is an entry in ClinVar:

NM_000322.5(PRPH2):c.647del (p.Pro216fs)

Gene: PRPH2 (peripherin 2; minus strand). Cytogenetic location: 6p21.1.
Variant type: Deletion.
Coding change: c.647del on transcript NM_000322.5 (MANE Select); coding-DNA position 647, one base deleted (C; older notation c.647delC).
Protein change: p.Pro216fs; shifts the reading frame from proline 216.
Molecular consequence: frameshift variant.
Genome position (GRCh38, 1-based): chr6:42,704,546, G deleted on the plus strand (C on the coding strand, the reverse complement: PRPH2 is on the minus strand); the first of 2 consecutive G bases (chr6:42,704,546-42,704,547); deleting either gives the same sequence. VCF-style (leftmost placement, unchanged base first): chr6-42704545-AG-A. GRCh37 (hg19) VCF-style: chr6-42672283-AG-A.
Other names: short protein forms P216fs.
Identifiers: ClinVar variation 3723147 (VCV003723147.2).
Genomic context (GRCh38, chr6:42,704,545, plus strand): 5'-GTAACTGTAGTGTGCTGAGTTGTTGGTGATCTGATACTGGATGCAGGGCCGTGGCGAGCT[AG>A]GATTGCAGCAGCTGAAAGGGACGCCGTCCACCAGGTACCGCCCATCCACGTTGCTCTTGA-3'

ClinVar aggregate classification (germline): Pathogenic (1 of 4 stars; one submission).

Conditions:
PRPH2-related disorder. Also called: PRPH2-related disorders; PRPH2-related condition. Identifiers: MedGen CN239395.

Submission:

Labcorp Genetics (formerly Invitae), Labcorp
Classification: Pathogenic for PRPH2-related disorder. Last evaluated: 2024-10-17. Review status: criteria provided, single submitter. Criteria: Invitae Variant Classification Sherloc (09022015). Collection method: clinical testing. Allele origin: germline.
Comment: This sequence change creates a premature translational stop signal (p.Pro216Leufs*40) in the PRPH2 gene. It is expected to result in an absent or disrupted protein product. Loss-of-function variants in PRPH2 are known to be pathogenic (PMID: 8111389, 8485575, 8485576, 8675410, 16916875, 17504850, 22863181, 25675413, 26061163, 27365499, 29555955, 33546218). This variant is not present in population databases (gnomAD no frequency). This variant has not been reported in the literature in individuals affected with PRPH2-related conditions. For these reasons, this variant has been classified as Pathogenic.

Literature cited by the submitters: PubMed 8111389; PubMed 8485575; PubMed 8485576; PubMed 8675410; PubMed 16916875; PubMed 17504850; PubMed 22863181; PubMed 25675413; PubMed 26061163; PubMed 27365499; PubMed 29555955; PubMed 33546218.